The following is an entry in ClinVar:

NM_017739.4(POMGNT1):c.1284+4G>A

Genes: POMGNT1 (protein O-linked mannose N-acetylglucosaminyltransferase 1 (beta 1,2-); minus strand), TSPAN1 (tetraspanin 1; plus strand). Cytogenetic location: 1p34.1.
Variant type: single nucleotide variant.
Coding change: c.1284+4G>A on transcript NM_017739.4 (MANE Select); 4 bases into the intron after coding-DNA position 1284, G replaced by A.
Molecular consequence: intron variant.
Genome position (GRCh38, 1-based): chr1:46,192,514, C>T on the plus strand (G>A on the coding strand, the complement: POMGNT1 is on the minus strand). VCF-style: chr1-46192514-C-T. GRCh37 (hg19) VCF-style: chr1-46658186-C-T.
Other names: c.1284+4G>A (NM_001243766.2, NM_001438686.1, NM_001438688.1 and 3 more transcripts); c.1218+4G>A (NM_001290129.3, NM_001438691.1, NM_001438692.1); c.855+4G>A (NM_001290130.2).
Identifiers: ClinVar variation 1521868 (VCV001521868.6), dbSNP rs2148187138, ClinGen allele CA2573131952.

ClinVar aggregate classification (germline): Uncertain significance (1 of 4 stars; one submission).

Conditions:
Autosomal recessive limb-girdle muscular dystrophy type 2O. Also called: Limb-Girdle Muscular Dystrophy Type 3C; MUSCULAR DYSTROPHY-DYSTROGLYCANOPATHY (LIMB-GIRDLE), TYPE C, 3; MUSCULAR DYSTROPHY-DYSTROGLYCANOPATHY, LIMB-GIRDLE, POMGNT1-RELATED. Identifiers: Orphanet 206564, MedGen C3150417, MONDO:0013161, OMIM 613157.
Muscular dystrophy-dystroglycanopathy (congenital with impaired intellectual development), type B, 3. Also called: Muscular dystrophy-dystroglycanopathy (congenital with intellectual disability), type B3; MUSCULAR DYSTROPHY, CONGENITAL, POMGNT1-RELATED. Identifiers: MedGen C3150412, MONDO:0013155, OMIM 613151.

Submission:

Labcorp Genetics (formerly Invitae), Labcorp
Classification: Uncertain significance for Autosomal recessive limb-girdle muscular dystrophy type 2O; Muscular dystrophy-dystroglycanopathy (congenital with impaired intellectual development), type B, 3. Last evaluated: 2024-12-02. Review status: criteria provided, single submitter. Criteria: Invitae Variant Classification Sherloc (09022015). Collection method: clinical testing. Allele origin: germline.
Comment: This sequence change falls in intron 15 of the POMGNT1 gene. It does not directly change the encoded amino acid sequence of the POMGNT1 protein. It affects a nucleotide within the consensus splice site. This variant is not present in population databases (gnomAD no frequency). This variant has not been reported in the literature in individuals affected with POMGNT1-related conditions. ClinVar contains an entry for this variant (Variation ID: 1521868). Variants that disrupt the consensus splice site are a relatively common cause of aberrant splicing (PMID: 17576681, 9536098). Algorithms developed to predict the effect of sequence changes on RNA splicing suggest that this variant is not likely to affect RNA splicing. In summary, the available evidence is currently insufficient to determine the role of this variant in disease. Therefore, it has been classified as a Variant of Uncertain Significance.

Literature cited by the submitters: PubMed 17576681; PubMed 9536098.